The following is an entry in ClinVar:

NM_183075.3(CYP2U1):c.740A>T (p.Glu247Val)

Gene: CYP2U1 (cytochrome P450 family 2 subfamily U member 1; plus strand). Cytogenetic location: 4q25.
Variant type: single nucleotide variant.
Coding change: c.740A>T on transcript NM_183075.3 (MANE Select); coding-DNA position 740, A replaced by T.
Protein change: p.Glu247Val; replaces glutamic acid 247 with valine.
Molecular consequence: missense variant.
Genome position (GRCh38, 1-based): chr4:107,945,219, A>T. VCF-style: chr4-107945219-A-T. GRCh37 (hg19) VCF-style: chr4-108866375-A-T.
Other names: short protein forms E247V.
Identifiers: ClinVar variation 2655014 (VCV002655014.24), dbSNP rs1241705826, ClinGen allele CA357836853.

ClinVar aggregate classification (germline): Uncertain significance (1 of 4 stars; one submission).

Allele frequency attached by ClinVar (database versions not stated): gnomAD exomes below 0.00001; TOPMed below 0.00001.
gnomAD v4.1: 1 of 1,614,112 alleles (0.000062%); highest among the groups gnomAD compares: Non-Finnish European, 0.000085%; no homozygotes.

Submission:

CeGaT Center for Human Genetics Tuebingen
Classification: Uncertain significance. Last evaluated: 2022-07-01. Review status: criteria provided, single submitter. Criteria: CeGaT Center For Human Genetics Tuebingen Variant Classification Criteria Version 2. Collection method: clinical testing. Allele origin: germline. Affected: yes. Observed: 1 variant allele.
Comment: CYP2U1: PM2, BP4